The following is an entry in ClinVar:

ClinVar aggregate classification (germline): Uncertain significance. Review status: criteria provided, multiple submitters, no conflicts (2 of 4 stars). 2 submissions from 2 submitters: Uncertain significance (2). Last evaluated 2024-10-06.

Conditions:
Inborn genetic diseases. Identifiers: MedGen C0950123, MeSH D030342.
Townes syndrome (TBS). Also called: Townes-Brocks syndrome. Identifiers: Orphanet 857, MedGen C0265246, MeSH C536974, MONDO:0007142.

Allele frequency attached by ClinVar (database versions not stated): ExAC 0.00002; TOPMed 0.00003; gnomAD exomes 0.00007.
gnomAD v4.1: 106 of 1,614,012 alleles (0.0066%); highest among the groups gnomAD compares: Middle Eastern, 0.016%; no homozygotes.

Submissions (2):

Labcorp Genetics (formerly Invitae), Labcorp
Classification: Uncertain significance for Townes syndrome. Last evaluated: 2024-10-06. Review status: criteria provided, single submitter. Criteria: Invitae Variant Classification Sherloc (09022015). Collection method: clinical testing. Allele origin: germline.
Comment: This sequence change replaces glycine, which is neutral and non-polar, with serine, which is neutral and polar, at codon 1296 of the SALL1 protein (p.Gly1296Ser). This variant is present in population databases (rs766538484, gnomAD 0.006%). This variant has not been reported in the literature in individuals affected with SALL1-related conditions. An algorithm developed to predict the effect of missense changes on protein structure and function (PolyPhen-2) suggests that this variant is likely to be disruptive. In summary, the available evidence is currently insufficient to determine the role of this variant in disease. Therefore, it has been classified as a Variant of Uncertain Significance.

Ambry Genetics
Classification: Uncertain significance for Inborn genetic diseases. Last evaluated: 2023-12-27. Review status: criteria provided, single submitter. Criteria: Ambry Variant Classification Scheme 2023. Collection method: clinical testing. Allele origin: germline.

NM_002968.3(SALL1):c.3886G>A (p.Gly1296Ser)

Gene: SALL1 (spalt like transcription factor 1; minus strand). Cytogenetic location: 16q12.1.
Variant type: single nucleotide variant.
Coding change: c.3886G>A on transcript NM_002968.3 (MANE Select); coding-DNA position 3886, G replaced by A.
Protein change: p.Gly1296Ser; replaces glycine 1296 with serine.
Molecular consequence: missense variant.
Genome position (GRCh38, 1-based): chr16:51,137,201, C>T on the plus strand (G>A on the coding strand, the complement: SALL1 is on the minus strand). VCF-style: chr16-51137201-C-T. GRCh37 (hg19) VCF-style: chr16-51171112-C-T.
Other names: c.3595G>A, p.Gly1199Ser (NM_001127892.2); short protein forms G1199S, G1296S.
Identifiers: ClinVar variation 3157556 (VCV003157556.3), dbSNP rs766538484, ClinGen allele CA8052812.
Genomic context (GRCh38, chr16:51,137,201, plus strand): 5'-CCACGAAGCGGGTGAAGCGGAAGTTGGTTCCGTTCTCACTGCTTGCCATTTTCTCCAGGC[C>T]GGCCAGGGGAGCATTGGGCTCTGAGTTCTGGAGCCTCTCCAGGTTTCCCGTCAGCCCACT-3'
Protein context (NP_002959.2, residues 1286-1306): QNSEPNAPLA[Gly1296Ser]LEKMASSENG